The following is an entry in ClinVar:

NM_003839.4(TNFRSF11A):c.372C>T (p.Cys124=)

Gene: TNFRSF11A (TNF receptor superfamily member 11a; plus strand). Cytogenetic location: 18q21.33.
Variant type: single nucleotide variant.
Coding change: c.372C>T on transcript NM_003839.4 (MANE Select); coding-DNA position 372, C replaced by T.
Protein change: p.Cys124=; no amino-acid change (cysteine 124 retained).
Molecular consequence: synonymous variant.
Genome position (GRCh38, 1-based): chr18:62,354,479, C>T. VCF-style: chr18-62354479-C-T. GRCh37 (hg19) VCF-style: chr18-60021712-C-T.
Other names: c.372C>T, p.Cys124= (NM_001270949.2, NM_001270950.2, NM_001270951.2 and 1 more transcripts).
Identifiers: ClinVar variation 2696687 (VCV002696687.3), dbSNP rs1192181862, ClinGen allele CA504077327.

ClinVar aggregate classification (germline): Uncertain significance (1 of 4 stars; one submission).

Allele frequency attached by ClinVar (database versions not stated): TOPMed below 0.00001.
gnomAD v4.1: 2 of 1,601,574 alleles (0.00012%); highest among the groups gnomAD compares: Admixed American, 0.0017%; no homozygotes.

Submission:

Labcorp Genetics (formerly Invitae), Labcorp
Classification: Uncertain significance. Last evaluated: 2025-10-21. Review status: criteria provided, single submitter. Criteria: Invitae Variant Classification Sherloc (09022015). Collection method: clinical testing. Allele origin: germline.
Comment: This sequence change affects codon 124 of the TNFRSF11A mRNA. It is a 'silent' change, meaning that it does not change the encoded amino acid sequence of the TNFRSF11A protein. This variant is not present in population databases (gnomAD no frequency). This variant has not been reported in the literature in individuals affected with TNFRSF11A-related conditions. ClinVar contains an entry for this variant (Variation ID: 2696687). Algorithms developed to predict the effect of sequence changes on RNA splicing suggest that this variant may create or strengthen a splice site. In summary, the available evidence is currently insufficient to determine the role of this variant in disease. Therefore, it has been classified as a Variant of Uncertain Significance.